The following is an entry in ClinVar:

ClinVar aggregate classification (germline): Likely benign (1 of 4 stars; one submission).

Conditions:
Cataract 14 multiple types. Also called: CATARACT 14, ZONULAR PULVERULENT; CATARACT 14, NUCLEAR PULVERULENT; CATARACT 14, NUCLEAR PULVERULENT AND POSTERIOR POLAR; CATARACT 14, NUCLEAR CORALLIFORM; CATARACT 14, EMBRYONAL NUCLEAR; CATARACT 14, COPPOCK-LIKE. Identifiers: Orphanet 91492, MedGen C1866078, MONDO:0011162, OMIM 601885.

Allele frequency attached by ClinVar (database versions not stated): gnomAD exomes 0.00001 and 0.00002; ExAC 0.00002; gnomAD 0.00002; TOPMed 0.00002.
gnomAD v4.1: 38 of 1,613,442 alleles (0.0024%); highest among the groups gnomAD compares: Non-Finnish European, 0.0032%; no homozygotes.

Submission:

Illumina Laboratory Services, Illumina
Classification: Likely benign for Cataract 14 multiple types. Last evaluated: 2018-01-13. Review status: criteria provided, single submitter. Criteria: ICSL Variant Classification Criteria 13 December 2019. Collection method: clinical testing. Allele origin: germline.
Comment: This variant was observed in the ICSL laboratory as part of a predisposition screen in an ostensibly healthy population. It had not been previously curated by ICSL or reported in the Human Gene Mutation Database (HGMD: prior to June 1st, 2018), and was therefore a candidate for classification through an automated scoring system. Utilizing variant allele frequency, disease prevalence and penetrance estimates, and inheritance mode, an automated score was calculated to assess if this variant is too frequent to cause the disease. Based on the score and internal cut-off values, a variant classified as likely benign is not then subjected to further curation. The score for this variant resulted in a classification of likely benign for this disease.

NM_021954.4(GJA3):c.522G>A (p.Glu174=)

Gene: GJA3 (gap junction protein alpha 3; minus strand). Cytogenetic location: 13q12.11.
Variant type: single nucleotide variant.
Coding change: c.522G>A on transcript NM_021954.4 (MANE Select); coding-DNA position 522, G replaced by A.
Protein change: p.Glu174=; no amino-acid change (glutamic acid 174 retained).
Molecular consequence: synonymous variant.
Genome position (GRCh38, 1-based): chr13:20,142,767, C>T on the plus strand (G>A on the coding strand, the complement: GJA3 is on the minus strand). VCF-style: chr13-20142767-C-T. GRCh37 (hg19) VCF-style: chr13-20716906-C-T.
Identifiers: ClinVar variation 884136 (VCV000884136.4), dbSNP rs772086761, ClinGen allele CA6904102.
Genomic context (GRCh38, chr13:20,142,767, plus strand): 5'-GATGAAGCAGTCCACCGTGTTGGGGCAGGGCCAGCGGTCGCAGCGGTAGAGCGGCTTCAG[C>T]TCGAAGCCGTACAGAAAGTACTGGCCGGCGATGAAGCCCACCTCGAACAGCGTCTTGAAG-3'
Protein context (NP_068773.2, residues 164-184): IAGQYFLYGF[Glu174=]LKPLYRCDRW